The following is an entry in ClinVar:

ClinVar aggregate classification (germline): Uncertain significance (1 of 4 stars; one submission).

Allele frequency attached by ClinVar (database versions not stated): gnomAD exomes below 0.00001.
gnomAD v4.1: 1 of 1,614,068 alleles (0.000062%); highest among the groups gnomAD compares: Admixed American, 0.0017%; no homozygotes.

Submission:

Labcorp Genetics (formerly Invitae), Labcorp
Classification: Uncertain significance. Last evaluated: 2020-06-13. Review status: criteria provided, single submitter. Criteria: Invitae Variant Classification Sherloc (09022015). Collection method: clinical testing. Allele origin: germline.
Comment: This sequence change replaces proline with leucine at codon 291 of the CYP4V2 protein (p.Pro291Leu). The proline residue is weakly conserved and there is a moderate physicochemical difference between proline and leucine. In summary, the available evidence is currently insufficient to determine the role of this variant in disease. Therefore, it has been classified as a Variant of Uncertain Significance. Algorithms developed to predict the effect of missense changes on protein structure and function output the following: SIFT: "Deleterious"; PolyPhen-2: "Benign"; Align-GVGD: "Class C0". The leucine amino acid residue is found in multiple mammalian species, suggesting that this missense change does not adversely affect protein function. These predictions have not been confirmed by published functional studies and their clinical significance is uncertain. This variant has not been reported in the literature in individuals with CYP4V2-related conditions. This variant is not present in population databases (ExAC no frequency).

NM_207352.4(CYP4V2):c.872C>T (p.Pro291Leu)

Gene: CYP4V2 (cytochrome P450 family 4 subfamily V member 2; plus strand). Cytogenetic location: 4q35.2.
Variant type: single nucleotide variant.
Coding change: c.872C>T on transcript NM_207352.4 (MANE Select); coding-DNA position 872, C replaced by T.
Protein change: p.Pro291Leu; replaces proline 291 with leucine.
Molecular consequence: missense variant.
Genome position (GRCh38, 1-based): chr4:186,201,227, C>T. VCF-style: chr4-186201227-C-T. GRCh37 (hg19) VCF-style: chr4-187122381-C-T.
Other names: short protein forms P291L.
Identifiers: ClinVar variation 1007939 (VCV001007939.8), dbSNP rs1374016413, ClinGen allele CA358948321.